The following is an entry in ClinVar:

ClinVar aggregate classification (germline): Uncertain significance (1 of 4 stars; one submission).

Conditions:
Infantile neuroaxonal dystrophy (NBIA2A). Also called: NEURODEGENERATION WITH BRAIN IRON ACCUMULATION 2A; SEITELBERGER DISEASE; Infantile neuroaxonal dystrophy 1. Identifiers: Orphanet 35069, MedGen C0270724, MONDO:0024457, OMIM 256600.

Submission:

Labcorp Genetics (formerly Invitae), Labcorp
Classification: Uncertain significance for Infantile neuroaxonal dystrophy. Last evaluated: 2022-06-19. Review status: criteria provided, single submitter. Criteria: Invitae Variant Classification Sherloc (09022015). Collection method: clinical testing. Allele origin: germline.
Comment: This variant is present in population databases (rs549902731, gnomAD 0.003%). This sequence change replaces arginine, which is basic and polar, with glycine, which is neutral and non-polar, at codon 566 of the PLA2G6 protein (p.Arg566Gly). In summary, the available evidence is currently insufficient to determine the role of this variant in disease. Therefore, it has been classified as a Variant of Uncertain Significance. Advanced modeling of protein sequence and biophysical properties (such as structural, functional, and spatial information, amino acid conservation, physicochemical variation, residue mobility, and thermodynamic stability) performed at Invitae indicates that this missense variant is expected to disrupt PLA2G6 protein function. This variant has not been reported in the literature in individuals affected with PLA2G6-related conditions.

NM_003560.4(PLA2G6):c.1696C>G (p.Arg566Gly)

Gene: PLA2G6 (phospholipase A2 group VI; minus strand). Cytogenetic location: 22q13.1.
Variant type: single nucleotide variant.
Coding change: c.1696C>G on transcript NM_003560.4 (MANE Select); coding-DNA position 1696, C replaced by G.
Protein change: p.Arg566Gly; replaces arginine 566 with glycine.
Molecular consequence: missense variant.
Genome position (GRCh38, 1-based): chr22:38,120,805, G>C on the plus strand (C>G on the coding strand, the complement: PLA2G6 is on the minus strand). VCF-style: chr22-38120805-G-C. GRCh37 (hg19) VCF-style: chr22-38516812-G-C.
Other names: c.1534C>G, p.Arg512Gly (NM_001004426.3, NM_001199562.3, NM_001349865.2 and 1 more transcripts); c.1696C>G, p.Arg566Gly (NM_001349864.2); c.1162C>G, p.Arg388Gly (NM_001349867.2); c.1018C>G, p.Arg340Gly (NM_001349868.2); c.1000C>G, p.Arg334Gly (NM_001349869.2); short protein forms R388G, R512G, R566G, R334G, R340G.
Identifiers: ClinVar variation 1898196 (VCV001898196.5), dbSNP rs549902731, ClinGen allele CA10230773.